The following is an entry in ClinVar:

NM_002471.4(MYH6):c.4922C>T (p.Ala1641Val)

Genes: MYH6 (myosin heavy chain 6; minus strand), LOC126861896 (BRD4-independent group 4 enhancer GRCh37_chr14:23854904-23856103; plus strand). Cytogenetic location: 14q11.2.
Variant type: single nucleotide variant.
Coding change: c.4922C>T on transcript NM_002471.4 (MANE Select); coding-DNA position 4922, C replaced by T.
Protein change: p.Ala1641Val; replaces alanine 1641 with valine.
Molecular consequence: missense variant.
Genome position (GRCh38, 1-based): chr14:23,386,352, G>A on the plus strand (C>T on the coding strand, the complement: MYH6 is on the minus strand). VCF-style: chr14-23386352-G-A. GRCh37 (hg19) VCF-style: chr14-23855561-G-A.
Other names: short protein forms A1641V.
Identifiers: ClinVar variation 2741445 (VCV002741445.3), dbSNP rs1242897954, ClinGen allele CA388991098.

ClinVar aggregate classification (germline): Uncertain significance (1 of 4 stars; one submission).

Conditions:
Hypertrophic cardiomyopathy 14. Identifiers: MedGen C2750467, MONDO:0013197, OMIM 613251.

Allele frequency attached by ClinVar (database versions not stated): gnomAD exomes below 0.00001; TOPMed below 0.00001; gnomAD 0.00001.
gnomAD v4.1: 2 of 1,613,998 alleles (0.00012%); highest among the groups gnomAD compares: Non-Finnish European, 0.00017%; no homozygotes.

Submission:

Labcorp Genetics (formerly Invitae), Labcorp
Classification: Uncertain significance for Hypertrophic cardiomyopathy 14. Last evaluated: 2023-11-03. Review status: criteria provided, single submitter. Criteria: Invitae Variant Classification Sherloc (09022015). Collection method: clinical testing. Allele origin: germline.
Comment: This sequence change replaces alanine, which is neutral and non-polar, with valine, which is neutral and non-polar, at codon 1641 of the MYH6 protein (p.Ala1641Val). This variant is not present in population databases (gnomAD no frequency). This variant has not been reported in the literature in individuals affected with MYH6-related conditions. Advanced modeling of protein sequence and biophysical properties (such as structural, functional, and spatial information, amino acid conservation, physicochemical variation, residue mobility, and thermodynamic stability) performed at Invitae indicates that this missense variant is expected to disrupt MYH6 protein function with a positive predictive value of 80%. In summary, the available evidence is currently insufficient to determine the role of this variant in disease. Therefore, it has been classified as a Variant of Uncertain Significance.